The following is an entry in ClinVar:

ClinVar aggregate classification (germline): Uncertain significance. Review status: criteria provided, multiple submitters, no conflicts (2 of 4 stars). 2 submissions from 2 submitters: Uncertain significance (2). Last evaluated 2025-03-20.

Conditions:
Ciliary dyskinesia, primary, 37 (CILD37). Also called: CILIARY DYSKINESIA, PRIMARY, 37, WITH OR WITHOUT SITUS INVERSUS. Identifiers: MedGen C4539798, MONDO:0033204, OMIM 617577.
Spermatogenic failure 18. Identifiers: MedGen C4539783, MONDO:0054615, OMIM 617576.
DNAH1-related disorder. Also called: DNAH1-related condition.

Allele frequency attached by ClinVar (database versions not stated): gnomAD exomes below 0.00001 and 0.00001; gnomAD 0.00003; TOPMed 0.00003.
gnomAD v4.1: 10 of 1,612,874 alleles (0.00062%); highest among the groups gnomAD compares: African/African-American, 0.013%; no homozygotes.

Submissions (2):

PreventionGenetics, part of Exact Sciences
Classification: Uncertain significance for DNAH1-related condition. Last evaluated: 2025-03-20. Review status: criteria provided, single submitter. Criteria: ACMG Guidelines, 2015. Collection method: clinical testing. Allele origin: germline.
Comment: The DNAH1 c.2276A>G variant is predicted to result in the amino acid substitution p.Asn759Ser. To our knowledge, this variant has not been reported in the literature. This variant is reported in 0.013% of alleles in individuals of African descent in gnomAD. At this time, the clinical significance of this variant is uncertain due to the absence of conclusive functional and genetic evidence.

Labcorp Genetics (formerly Invitae), Labcorp
Classification: Uncertain significance for Ciliary dyskinesia, primary, 37; Spermatogenic failure 18. Last evaluated: 2021-09-02. Review status: criteria provided, single submitter. Criteria: Invitae Variant Classification Sherloc (09022015). Collection method: clinical testing. Allele origin: germline.
Comment: This sequence change replaces asparagine with serine at codon 759 of the DNAH1 protein (p.Asn759Ser). The asparagine residue is moderately conserved and there is a small physicochemical difference between asparagine and serine. This variant is not present in population databases (ExAC no frequency). This variant has not been reported in the literature in individuals affected with DNAH1-related conditions. Algorithms developed to predict the effect of missense changes on protein structure and function are either unavailable or do not agree on the potential impact of this missense change (SIFT: "Deleterious"; PolyPhen-2: "Benign"; Align-GVGD: "Class C0"). In summary, the available evidence is currently insufficient to determine the role of this variant in disease. Therefore, it has been classified as a Variant of Uncertain Significance.

NM_015512.5(DNAH1):c.2276A>G (p.Asn759Ser)

Gene: DNAH1 (dynein axonemal heavy chain 1; plus strand). Cytogenetic location: 3p21.1.
Variant type: single nucleotide variant.
Coding change: c.2276A>G on transcript NM_015512.5 (MANE Select); coding-DNA position 2276, A replaced by G.
Protein change: p.Asn759Ser; replaces asparagine 759 with serine.
Molecular consequence: missense variant.
Genome position (GRCh38, 1-based): chr3:52,349,057, A>G. VCF-style: chr3-52349057-A-G. GRCh37 (hg19) VCF-style: chr3-52383073-A-G.
Other names: c.2276A>G (NM_015512.4); short protein forms N759S.
Identifiers: ClinVar variation 1023102 (VCV001023102.3), dbSNP rs918481447, ClinGen allele CA74740052.